The following is an entry in ClinVar:

ClinVar aggregate classification (germline): Uncertain significance. Review status: criteria provided, multiple submitters, no conflicts (2 of 4 stars). 2 submissions from 2 submitters: Uncertain significance (2). Last evaluated 2025-05-02.

Conditions:
Inborn genetic diseases. Identifiers: MedGen C0950123, MeSH D030342.

Allele frequency attached by ClinVar (database versions not stated): gnomAD exomes 0.00001; ExAC 0.00005; gnomAD 0.00012; TOPMed 0.00012; ESP Exome Variant Server 0.00024.
gnomAD v4.1: 38 of 1,613,878 alleles (0.0024%); highest among the groups gnomAD compares: African/African-American, 0.044%; no homozygotes.

Submissions (2):

Ambry Genetics
Classification: Uncertain significance for Inborn genetic diseases. Last evaluated: 2025-05-02. Review status: criteria provided, single submitter. Criteria: Ambry Variant Classification Scheme 2023. Collection method: clinical testing. Allele origin: germline.

Labcorp Genetics (formerly Invitae), Labcorp
Classification: Uncertain significance. Last evaluated: 2022-12-12. Review status: criteria provided, single submitter. Criteria: Invitae Variant Classification Sherloc (09022015). Collection method: clinical testing. Allele origin: germline.
Comment: In summary, the available evidence is currently insufficient to determine the role of this variant in disease. Therefore, it has been classified as a Variant of Uncertain Significance. Algorithms developed to predict the effect of missense changes on protein structure and function (SIFT, PolyPhen-2, Align-GVGD) all suggest that this variant is likely to be tolerated. This variant has not been reported in the literature in individuals affected with FAT1-related conditions. This variant is present in population databases (rs367926064, gnomAD 0.06%). This sequence change replaces glutamic acid, which is acidic and polar, with aspartic acid, which is acidic and polar, at codon 214 of the FAT1 protein (p.Glu214Asp).

NM_005245.4(FAT1):c.642G>C (p.Glu214Asp)

Gene: FAT1 (FAT atypical cadherin 1; minus strand). Cytogenetic location: 4q35.2.
Variant type: single nucleotide variant.
Coding change: c.642G>C on transcript NM_005245.4 (MANE Select); coding-DNA position 642, G replaced by C.
Protein change: p.Glu214Asp; replaces glutamic acid 214 with aspartic acid.
Molecular consequence: missense variant.
Genome position (GRCh38, 1-based): chr4:186,709,186, C>G on the plus strand (G>C on the coding strand, the complement: FAT1 is on the minus strand). VCF-style: chr4-186709186-C-G. GRCh37 (hg19) VCF-style: chr4-187630340-C-G.
Other names: c.642G>C (NM_005245.3); short protein forms E214D.
Identifiers: ClinVar variation 2717303 (VCV002717303.2), dbSNP rs367926064, ClinGen allele CA3167629.